The following is an entry in ClinVar:

ClinVar aggregate classification (germline): Uncertain significance (1 of 4 stars; one submission).

Conditions:
Spermatogenic failure 11 (SPGF11). Identifiers: MedGen C3554453, MONDO:0014037, OMIM 615081.

gnomAD v4.1: 5 of 1,614,184 alleles (0.00031%); highest among the groups gnomAD compares: Admixed American, 0.0033%; no homozygotes.

Submission:

3billion
Classification: Uncertain significance for Spermatogenic failure 11. Last evaluated: 2025-10-02. Review status: criteria provided, single submitter. Criteria: ACMG Guidelines, 2015. Collection method: clinical testing. Allele origin: germline. Affected: yes.
Comment: The variant is observed at an extremely low frequency in the gnomAD v4.1.0 dataset (total allele frequency: <0.001%). Predicted Consequence/Location: Missense variant Damaging effect on gene or gene product predicted by in silico programs is uncertain [REVEL: 0.55 (damaging >=0.6, benign <0.4), 3Cnet: 0.03 (damaging >0.75, benign <0.1)]. Therefore, this variant is classified as VUS according to the recommendation of ACMG/AMP guideline.

NM_152467.5(KLHL10):c.983C>T (p.Pro328Leu)

Gene: KLHL10 (kelch like family member 10; plus strand). Cytogenetic location: 17q21.2.
Variant type: single nucleotide variant.
Coding change: c.983C>T on transcript NM_152467.5 (MANE Select); coding-DNA position 983, C replaced by T.
Protein change: p.Pro328Leu; replaces proline 328 with leucine.
Molecular consequence: missense variant.
Genome position (GRCh38, 1-based): chr17:41,845,424, C>T. VCF-style: chr17-41845424-C-T. GRCh37 (hg19) VCF-style: chr17-40001676-C-T.
Other names: c.983C>T, p.Pro328Leu (NM_001329595.1); c.719C>T, p.Pro240Leu (NM_001329596.2); short protein forms P240L, P328L.
Identifiers: ClinVar variation 4854581 (VCV004854581.1).
Genomic context (GRCh38, chr17:41,845,424, plus strand): 5'-TTGAGGCATATGACGCTCGGGCAGACAGATGGGTGAATGTTACTTGTGAGGAAGAGAGTC[C>T]CCGTGCCTACCATGGGGCAGCCTATTTGAAAGGCTATGTGTATATCATTGGGGGGTTTGA-3'
Protein context (NP_689680.2, residues 318-338): WVNVTCEEES[Pro328Leu]RAYHGAAYLK